The following is an entry in ClinVar:

NM_006231.4(POLE):c.1325A>G (p.Glu442Gly)

Gene: POLE (DNA polymerase epsilon, catalytic subunit; minus strand). Cytogenetic location: 12q24.33.
Variant type: single nucleotide variant.
Coding change: c.1325A>G on transcript NM_006231.4 (MANE Select); coding-DNA position 1325, A replaced by G.
Protein change: p.Glu442Gly; replaces glutamic acid 442 with glycine.
Molecular consequence: missense variant.
Genome position (GRCh38, 1-based): chr12:132,673,609, T>C on the plus strand (A>G on the coding strand, the complement: POLE is on the minus strand). VCF-style: chr12-132673609-T-C. GRCh37 (hg19) VCF-style: chr12-133250195-T-C.
Other names: c.1325A>G (NM_006231.2); short protein forms E442G.
Identifiers: ClinVar variation 839009 (VCV000839009.14), dbSNP rs1230334566, ClinGen allele CA387359263.

ClinVar aggregate classification (germline): Uncertain significance. Review status: criteria provided, multiple submitters, no conflicts (2 of 4 stars). 4 submissions from 4 submitters: Uncertain significance (4). Last evaluated 2025-02-14.

Conditions:
Hereditary cancer-predisposing syndrome. Also called: Neoplastic Syndromes, Hereditary; Tumor predisposition; Hereditary neoplastic syndrome; Hereditary Cancer Syndrome. Identifiers: Orphanet 140162, MedGen C0027672, MeSH D009386, MONDO:0015356.

Allele frequency attached by ClinVar (database versions not stated): gnomAD exomes below 0.00001.

Submissions (4):

Labcorp Genetics (formerly Invitae), Labcorp
Classification: Uncertain significance. Last evaluated: 2025-02-14. Review status: criteria provided, single submitter. Criteria: Invitae Variant Classification Sherloc (09022015). Collection method: clinical testing. Allele origin: germline.
Comment: This sequence change replaces glutamic acid, which is acidic and polar, with glycine, which is neutral and non-polar, at codon 442 of the POLE protein (p.Glu442Gly). This variant is present in population databases (no rsID available, gnomAD 0.0009%). This variant has not been reported in the literature in individuals affected with POLE-related conditions. ClinVar contains an entry for this variant (Variation ID: 839009). Invitae Evidence Modeling of protein sequence and biophysical properties (such as structural, functional, and spatial information, amino acid conservation, physicochemical variation, residue mobility, and thermodynamic stability) indicates that this missense variant is expected to disrupt POLE protein function with a positive predictive value of 80%. In summary, the available evidence is currently insufficient to determine the role of this variant in disease. Therefore, it has been classified as a Variant of Uncertain Significance.

Ambry Genetics
Classification: Uncertain significance for Hereditary cancer-predisposing syndrome. Last evaluated: 2025-02-12. Review status: criteria provided, single submitter. Criteria: Ambry Variant Classification Scheme 2023. Collection method: clinical testing. Allele origin: germline.
Comment: The p.E442G variant (also known as c.1325A>G), located in coding exon 13 of the POLE gene, results from an A to G substitution at nucleotide position 1325. The glutamic acid at codon 442 is replaced by glycine, an amino acid with similar properties. This amino acid position is highly conserved in available vertebrate species. In addition, the in silico prediction for this alteration is inconclusive. Based on the available evidence, the clinical significance of this variant remains unclear.

Quest Diagnostics Nichols Institute San Juan Capistrano
Classification: Uncertain significance. Last evaluated: 2021-07-20. Review status: criteria provided, single submitter. Criteria: Quest Diagnostics criteria. Collection method: clinical testing. Allele origin: unknown.

Sema4
Classification: Uncertain significance for Hereditary cancer-predisposing syndrome. Last evaluated: 2021-04-23. Review status: criteria provided, single submitter. Criteria: Sema4 Curation Guidelines. Collection method: curation. Allele origin: germline.
Comment: The POLE c.1325A>G (p.E442G) variant has not been reported in the literature to our knowledge. It was observed in 1/113686 chromosomes of the Non-Finnish European subpopulation in the large and broad cohorts of the Genome Aggregation Database (PMID: 32461654). The variant has been reported in ClinVar (Variation ID: 839009). In silico tools suggest the impact of the variant on protein function is inconclusive, though these predictions have not been confirmed by functional studies. The evidence is insufficient to meet ACMG/AMP criteria for classifying the variant as benign or pathogenic. Thus, the clinical significance of this variant is currently uncertain.